The following is an entry in ClinVar:

ClinVar aggregate classification (germline): Pathogenic. Review status: criteria provided, single submitter (1 of 4 stars). 2 submissions from 2 submitters: Pathogenic (1). 1 of the submissions does not count toward it. Last evaluated 2022-07-19.
ClinVar aggregate classification (oncogenicity): Likely oncogenic (1 of 4 stars; one submission).

Conditions:
Tuberous sclerosis syndrome (TSC). Also called: Tuberous Sclerosis Complex; Tuberous sclerosis. Identifiers: Orphanet 805, MedGen C0041341, MONDO:0001734.
Tuberous sclerosis 2 (TSC2). Identifiers: Orphanet 805, MedGen C1860707, MONDO:0013199, OMIM 613254.
Neoplasm. Also called: tumor; Neoplasms; Neoplasm (disease). Identifiers: MedGen C0027651, MeSH D009369, MONDO:0005070, HP:0002664.

Submissions (3):

Center for Genomic Medicine, Rigshospitalet, Copenhagen University Hospital
Classification: Likely oncogenic for Neoplasm. Last evaluated: 2026-10-16. Review status: criteria provided, single submitter. Criteria: ClinGen/CGC/VICC Guidelines for Oncogenicity, 2022. Collection method: clinical testing. Allele origin: somatic. Affected: yes.

Labcorp Genetics (formerly Invitae), Labcorp
Classification: Pathogenic for Tuberous sclerosis 2. Last evaluated: 2022-07-19. Review status: criteria provided, single submitter. Criteria: Invitae Variant Classification Sherloc (09022015). Collection method: clinical testing. Allele origin: germline.
Comment: This premature translational stop signal has been observed in individual(s) with tuberous sclerosis complex (TSC) (PMID: 16114042). In at least one individual the variant was observed to be de novo. For these reasons, this variant has been classified as Pathogenic. ClinVar contains an entry for this variant (Variation ID: 49837). This variant is not present in population databases (gnomAD no frequency). This sequence change creates a premature translational stop signal (p.Ser1427Valfs*49) in the TSC2 gene. It is expected to result in an absent or disrupted protein product. Loss-of-function variants in TSC2 are known to be pathogenic (PMID: 10205261, 17304050).

Tuberous sclerosis database (TSC2)
No classification provided. Condition: TSC. Review status: no classification provided. Criteria: Tuberous Sclerosis Database Assertion Criteria 2015. Collection method: curation. Allele origin: germline. Affected: yes. Not counted in ClinVar's aggregate classification.

Literature cited by the submitters: PubMed 16114042 (cited by Labcorp Genetics (formerly Invitae), Labcorp); PubMed 10205261 (cited by Labcorp Genetics (formerly Invitae), Labcorp); PubMed 17304050 (cited by Labcorp Genetics (formerly Invitae), Labcorp).

NM_000548.5(TSC2):c.4279del (p.Ser1427fs)

Gene: TSC2 (TSC complex subunit 2; plus strand). Cytogenetic location: 16p13.3.
Variant type: Deletion.
Coding change: c.4279del on transcript NM_000548.5 (MANE Select); coding-DNA position 4279, one base deleted (A; older notation c.4279delA).
Protein change: p.Ser1427fs; shifts the reading frame from serine 1427.
Molecular consequence: frameshift variant.
Genome position (GRCh38, 1-based): chr16:2,084,501, A deleted; the last of 3 consecutive A bases (chr16:2,084,499-2,084,501); deleting any one gives the same sequence. VCF-style (leftmost placement, unchanged base first): chr16-2084498-GA-G. GRCh37 (hg19) VCF-style: chr16-2134499-GA-G.
Other names: c.4078del, p.Ser1360fs (NM_001077183.3); c.4210del, p.Ser1404fs (NM_001114382.3); c.3970del, p.Ser1324fs (NM_001318827.2); c.3934del, p.Ser1312fs (NM_001318829.2); c.3547del, p.Ser1183fs (NM_001318831.2); c.4111del, p.Ser1371fs (NM_001318832.2); c.4081del, p.Ser1361fs (NM_001363528.2); c.4147del, p.Ser1383fs (NM_001370404.1); and 2 more; short protein forms S1183fs, S1324fs, S1384fs, S1404fs, S1312fs, S1360fs, S1361fs, S1371fs.
Identifiers: ClinVar variation 49837 (VCV000049837.8), dbSNP rs137854113, ClinGen allele CA020181.
Genomic context (GRCh38, chr16:2,084,498, plus strand): 5'-GACGTGGGCCGGCTGAGCCCTGAGGTTAAGGCCCGGTCACAGTCAGGGACCCTGGACGGG[GA>G]AAGTGCTGCCTGGTCGGCCTCGGGCGAAGACAGTCGGGGCCAGCCCGAGGGTCCCTTGCC-3'